The following is an entry in ClinVar:

NM_003931.3(WASF1):c.223C>T (p.Arg75Cys)

Gene: WASF1 (WASP family member 1; minus strand). Cytogenetic location: 6q21.
Variant type: single nucleotide variant.
Coding change: c.223C>T on transcript NM_003931.3 (MANE Select); coding-DNA position 223, C replaced by T.
Protein change: p.Arg75Cys; replaces arginine 75 with cysteine.
Molecular consequence: missense variant.
Genome position (GRCh38, 1-based): chr6:110,113,371, G>A on the plus strand (C>T on the coding strand, the complement: WASF1 is on the minus strand). VCF-style: chr6-110113371-G-A. GRCh37 (hg19) VCF-style: chr6-110434574-G-A.
Other names: c.223C>T, p.Arg75Cys (NM_001024934.2, NM_001024935.2, NM_001024936.2); short protein forms R75C.
Identifiers: ClinVar variation 5020537 (VCV005020537.1).
Genomic context (GRCh38, chr6:110,113,371, plus strand): 5'-TATTAATAAGCTTACATTCTTCTTCCTTTGGATCAAGCTGTGTAACACTAACAGATAAAC[G>A]GTCCACACGTTCTTGCAATGAGTTGACTCTGAAGGAAAAACTATGTGCTTCATTGAATAA-3'
Protein context (NP_003922.1, residues 65-85): RVNSLQERVD[Arg75Cys]LSVSVTQLDP

ClinVar aggregate classification (germline): Uncertain significance (1 of 4 stars; one submission).

gnomAD v4.1: 13 of 1,602,258 alleles (0.00081%); highest among the groups gnomAD compares: African/African-American, 0.0013%; no homozygotes.

Submission:

Dasa
Classification: Uncertain significance. Last evaluated: 2026-05-19. Review status: criteria provided, single submitter. Criteria: DASA Assertion Criteria. Collection method: clinical testing. Allele origin: germline.
Comment: NM_003931.3(WASF1):c.223C>T (p.Arg75Cys) is a missense variant that results in the substitution of arginine with cysteine. This variant is absent from population databases. Computational prediction algorithms are consistent with a deleterious effect. The currently available literature and clinical evidence are not sufficient to establish a definitive association between this variant and the reported condition. Therefore, this variant is classified as a variant of uncertain significance.